The following is an entry in ClinVar:

ClinVar aggregate classification (germline): Uncertain significance (1 of 4 stars; one submission).

Conditions:
Ullrich congenital muscular dystrophy 2 (UCMD2). Identifiers: Orphanet 75840, MedGen C4225314, MONDO:0014654, OMIM 616470.
Bethlem myopathy 2 (BTHLM2). Identifiers: Orphanet 536516, Orphanet 610, MedGen C4225313, MONDO:0034022, OMIM 616471.

Allele frequency attached by ClinVar (database versions not stated): TOPMed below 0.00001; gnomAD 0.00003.

Submission:

Labcorp Genetics (formerly Invitae), Labcorp
Classification: Uncertain significance for Bethlem myopathy 2; Ullrich congenital muscular dystrophy 2. Last evaluated: 2018-11-19. Review status: criteria provided, single submitter. Criteria: Invitae Variant Classification Sherloc (09022015). Collection method: clinical testing. Allele origin: germline.
Comment: In summary, the available evidence is currently insufficient to determine the role of this variant in disease. Therefore, it has been classified as a Variant of Uncertain Significance. Algorithms developed to predict the effect of missense changes on protein structure and function output the following: SIFT: "Tolerated"; PolyPhen-2: "Benign"; Align-GVGD: "Class C0". The valine amino acid residue is found in multiple mammalian species, suggesting that this missense change does not adversely affect protein function. These predictions have not been confirmed by published functional studies and their clinical significance is uncertain. This variant has not been reported in the literature in individuals with COL12A1-related disease. This variant is not present in population databases (ExAC no frequency). This sequence change replaces alanine with valine at codon 714 of the COL12A1 protein (p.Ala714Val). The alanine residue is weakly conserved and there is a small physicochemical difference between alanine and valine.

NM_004370.6(COL12A1):c.2141C>T (p.Ala714Val)

Gene: COL12A1 (collagen type XII alpha 1 chain; minus strand). Cytogenetic location: 6q13.
Variant type: single nucleotide variant.
Coding change: c.2141C>T on transcript NM_004370.6 (MANE Select); coding-DNA position 2141, C replaced by T.
Protein change: p.Ala714Val; replaces alanine 714 with valine.
Molecular consequence: missense variant. On other transcripts: intron variant (1).
Genome position (GRCh38, 1-based): chr6:75,180,962, G>A on the plus strand (C>T on the coding strand, the complement: COL12A1 is on the minus strand). VCF-style: chr6-75180962-G-A. GRCh37 (hg19) VCF-style: chr6-75890678-G-A.
Other names: c.73+21758C>T (NM_080645.3); short protein forms A714V.
Identifiers: ClinVar variation 657019 (VCV000657019.9), dbSNP rs1202850966, ClinGen allele CA364765738.